The following is an entry in ClinVar:

ClinVar aggregate classification (germline): Uncertain significance (1 of 4 stars; one submission).

Conditions:
Hereditary cancer-predisposing syndrome. Also called: Neoplastic Syndromes, Hereditary; Tumor predisposition; Hereditary neoplastic syndrome; Hereditary Cancer Syndrome. Identifiers: Orphanet 140162, MedGen C0027672, MeSH D009386, MONDO:0015356.

Submission:

Ambry Genetics
Classification: Uncertain significance for Hereditary cancer-predisposing syndrome. Last evaluated: 2026-07-02. Review status: criteria provided, single submitter. Criteria: Ambry Variant Classification Scheme 2023. Collection method: clinical testing. Allele origin: germline.
Comment: The p.V460I variant (also known as c.1378G>A), located in coding exon 10 of the CDH1 gene, results from a G to A substitution at nucleotide position 1378. The valine at codon 460 is replaced by isoleucine, an amino acid with highly similar properties. This amino acid position is conserved. In addition, this alteration is predicted to be tolerated by in silico analysis. Based on the available evidence, the clinical significance of this variant remains unclear.

NM_004360.5(CDH1):c.1378G>A (p.Val460Ile)

Gene: CDH1 (cadherin 1; plus strand). Cytogenetic location: 16q22.1.
Variant type: single nucleotide variant.
Coding change: c.1378G>A on transcript NM_004360.5 (MANE Select); coding-DNA position 1378, G replaced by A.
Protein change: p.Val460Ile; replaces valine 460 with isoleucine.
Molecular consequence: missense variant. On other transcripts: 5 prime UTR variant (2).
Genome position (GRCh38, 1-based): chr16:68,815,572, G>A. VCF-style: chr16-68815572-G-A. GRCh37 (hg19) VCF-style: chr16-68849475-G-A.
Other names: c.1195G>A, p.Val399Ile (NM_001317184.2); c.-171G>A (NM_001317185.2); c.-442G>A (NM_001317186.2); short protein forms V399I, V460I.
Identifiers: ClinVar variation 5033860 (VCV005033860.1).